The following is an entry in ClinVar:

NM_152618.3(BBS12):c.745C>T (p.Pro249Ser)

Gene: BBS12 (Bardet-Biedl syndrome 12; plus strand). Cytogenetic location: 4q27.
Variant type: single nucleotide variant.
Coding change: c.745C>T on transcript NM_152618.3 (MANE Select); coding-DNA position 745, C replaced by T.
Protein change: p.Pro249Ser; replaces proline 249 with serine.
Molecular consequence: missense variant.
Genome position (GRCh38, 1-based): chr4:122,742,637, C>T. VCF-style: chr4-122742637-C-T. GRCh37 (hg19) VCF-style: chr4-123663792-C-T.
Other names: c.745C>T, p.Pro249Ser (NM_001178007.2); c.745C>T (NM_152618.2); short protein forms P249S.
Identifiers: ClinVar variation 1368601 (VCV001368601.5), dbSNP rs758191621, ClinGen allele CA3069323.
Genomic context (GRCh38, chr4:122,742,637, plus strand): 5'-TCAATACTAATCCACAGTAGGCATTTTAATAGGACAGATAATACTGAAGGGGTAAGCAAA[C>T]CAGATGGATTTCAAGAACATGTTACAGCTACTCACAAAACTTACAGATGTAATGATTTGG-3'
Protein context (NP_689831.2, residues 239-259): RTDNTEGVSK[Pro249Ser]DGFQEHVTAT

ClinVar aggregate classification (germline): Uncertain significance. Review status: criteria provided, multiple submitters, no conflicts (2 of 4 stars). 3 submissions from 3 submitters: Uncertain significance (2). 1 of the submissions does not count toward it. Last evaluated 2025-11-26.

Conditions:
Bardet-Biedl syndrome (BBS). Identifiers: Orphanet 110, MedGen C0752166, MONDO:0015229.
BBS12-related disorder. Also called: BBS12-related condition.
Inborn genetic diseases. Identifiers: MedGen C0950123, MeSH D030342.

Allele frequency attached by ClinVar (database versions not stated): ExAC 0.00001.
gnomAD v4.1: 7 of 1,614,044 alleles (0.00043%); highest among the groups gnomAD compares: African/African-American, 0.008%; no homozygotes.

Submissions (3):

Ambry Genetics
Classification: Uncertain significance for Inborn genetic diseases. Last evaluated: 2025-11-26. Review status: criteria provided, single submitter. Criteria: Ambry Variant Classification Scheme 2023. Collection method: clinical testing. Allele origin: germline.

Labcorp Genetics (formerly Invitae), Labcorp
Classification: Uncertain significance for Bardet-Biedl syndrome. Last evaluated: 2022-07-19. Review status: criteria provided, single submitter. Criteria: Invitae Variant Classification Sherloc (09022015). Collection method: clinical testing. Allele origin: germline.
Comment: This sequence change replaces proline, which is neutral and non-polar, with serine, which is neutral and polar, at codon 249 of the BBS12 protein (p.Pro249Ser). The frequency data for this variant in the population databases is considered unreliable, as metrics indicate poor data quality at this position in the gnomAD database. This variant has not been reported in the literature in individuals affected with BBS12-related conditions. ClinVar contains an entry for this variant (Variation ID: 1368601). Algorithms developed to predict the effect of missense changes on protein structure and function output the following: SIFT: "Tolerated"; PolyPhen-2: "Benign"; Align-GVGD: "Class C0". The serine amino acid residue is found in multiple mammalian species, which suggests that this missense change does not adversely affect protein function. In summary, the available evidence is currently insufficient to determine the role of this variant in disease. Therefore, it has been classified as a Variant of Uncertain Significance.

PreventionGenetics, part of Exact Sciences
Classification: Uncertain significance for BBS12-related condition. Last evaluated: 2024-05-23. Review status: no assertion criteria provided. Collection method: clinical testing. Allele origin: germline. Not counted in ClinVar's aggregate classification.
Comment: The BBS12 c.745C>T variant is predicted to result in the amino acid substitution p.Pro249Ser. To our knowledge, this variant has not been reported in the literature. This variant is reported in 0.0080% of alleles in individuals of African descent in gnomAD. At this time, the clinical significance of this variant is uncertain due to the absence of conclusive functional and genetic evidence.